The following is an entry in ClinVar:

NM_182914.3(SYNE2):c.5726A>G (p.His1909Arg)

Gene: SYNE2 (spectrin repeat containing nuclear envelope protein 2; plus strand). Cytogenetic location: 14q23.2.
Variant type: single nucleotide variant.
Coding change: c.5726A>G on transcript NM_182914.3 (MANE Select); coding-DNA position 5726, A replaced by G.
Protein change: p.His1909Arg; replaces histidine 1909 with arginine.
Molecular consequence: missense variant.
Genome position (GRCh38, 1-based): chr14:64,024,345, A>G. VCF-style: chr14-64024345-A-G. GRCh37 (hg19) VCF-style: chr14-64491063-A-G.
Other names: c.5726A>G, p.His1909Arg (NM_015180.6); short protein forms H1909R.
Identifiers: ClinVar variation 573395 (VCV000573395.10), dbSNP rs750862490, ClinGen allele CA389943692.
Genomic context (GRCh38, chr14:64,024,345, plus strand): 5'-GTAAAATAAAGCAGGTGGACAGCGTACTGAAGCATGTGAAGAAGCATCTGCCCAAAGCAC[A>G]TGTGAAGGAGCTTATCAGTTGGCTCGTGGGTCAGGAATTCGAATTAGAAAAAATGGAGTC-3'
Protein context (NP_878918.2, residues 1899-1919): KHVKKHLPKA[His1909Arg]VKELISWLVG

ClinVar aggregate classification (germline): Uncertain significance (1 of 4 stars; one submission).

Conditions:
Emery-Dreifuss muscular dystrophy 5, autosomal dominant (EDMD5). Also called: EMERY-DREIFUSS MUSCULAR DYSTROPHY 5. Identifiers: Orphanet 261, MedGen C2751805, MONDO:0013072, OMIM 612999.

gnomAD v4.1: 3 of 1,614,196 alleles (0.00019%); highest among the groups gnomAD compares: Admixed American, 0.0033%; no homozygotes.

Submission:

Labcorp Genetics (formerly Invitae), Labcorp
Classification: Uncertain significance for Emery-Dreifuss muscular dystrophy 5, autosomal dominant. Last evaluated: 2022-07-11. Review status: criteria provided, single submitter. Criteria: Invitae Variant Classification Sherloc (09022015). Collection method: clinical testing. Allele origin: germline.
Comment: In summary, the available evidence is currently insufficient to determine the role of this variant in disease. Therefore, it has been classified as a Variant of Uncertain Significance. Algorithms developed to predict the effect of missense changes on protein structure and function output the following: SIFT: "Tolerated"; PolyPhen-2: "Benign"; Align-GVGD: "Class C0". The arginine amino acid residue is found in multiple mammalian species, which suggests that this missense change does not adversely affect protein function. ClinVar contains an entry for this variant (Variation ID: 573395). This variant has not been reported in the literature in individuals affected with SYNE2-related conditions. This variant is not present in population databases (gnomAD no frequency). This sequence change replaces histidine, which is basic and polar, with arginine, which is basic and polar, at codon 1909 of the SYNE2 protein (p.His1909Arg).